The following is an entry in ClinVar:

ClinVar aggregate classification (germline): Likely benign (1 of 4 stars; one submission).

Allele frequency attached by ClinVar (database versions not stated): ExAC 0.00017; 1000 Genomes Project 0.00519; gnomAD 0.00758; gnomAD exomes 0.00870.
gnomAD v4.1: 12,949 of 1,469,252 alleles (0.88%); highest among the groups gnomAD compares: East Asian, 3.2%; 146 homozygotes.

Submission:

CeGaT Center for Human Genetics Tuebingen
Classification: Likely benign. Last evaluated: 2023-08-01. Review status: criteria provided, single submitter. Criteria: CeGaT Center For Human Genetics Tuebingen Variant Classification Criteria Version 2. Collection method: clinical testing. Allele origin: germline. Affected: yes. Observed: 1 variant allele.
Comment: MUC21: BP4, BP7, BS2

NM_001010909.5(MUC21):c.486C>T (p.Ala162=)

Gene: MUC21 (mucin 21, cell surface associated; plus strand). Cytogenetic location: 6p21.33.
Variant type: single nucleotide variant.
Coding change: c.486C>T on transcript NM_001010909.5 (MANE Select); coding-DNA position 486, C replaced by T.
Protein change: p.Ala162=; no amino-acid change (alanine 162 retained).
Molecular consequence: synonymous variant. On other transcripts: no sequence alteration (2), non-coding transcript variant (1).
Genome position (GRCh38, 1-based): chr6:30,986,661, C>T. VCF-style: chr6-30986661-C-T. GRCh37 (hg19) VCF-style: chr6-30954438-C-T.
Other names: c.576=, p.Ala192= (NM_001322370.2, NM_001322371.2).
Identifiers: ClinVar variation 2656351 (VCV002656351.24), dbSNP rs41288646, ClinGen allele CA3707148.